The following is an entry in ClinVar:

NM_001349.4(DARS1):c.978A>G (p.Gln326=)

Gene: DARS1 (aspartyl-tRNA synthetase 1; minus strand). Cytogenetic location: 2q21.3.
Variant type: single nucleotide variant.
Coding change: c.978A>G on transcript NM_001349.4 (MANE Select); coding-DNA position 978, A replaced by G.
Protein change: p.Gln326=; no amino-acid change (glutamine 326 retained).
Molecular consequence: synonymous variant.
Genome position (GRCh38, 1-based): chr2:135,916,354, T>C on the plus strand (A>G on the coding strand, the complement: DARS1 is on the minus strand). VCF-style: chr2-135916354-T-C. GRCh37 (hg19) VCF-style: chr2-136673924-T-C.
Other names: c.678A>G, p.Gln226= (NM_001293312.1).
Identifiers: ClinVar variation 4084492 (VCV004084492.8).

ClinVar aggregate classification (germline): Likely benign (1 of 4 stars; one submission).

gnomAD v4.1: 3 of 1,522,468 alleles (0.0002%); highest among the groups gnomAD compares: Non-Finnish European, 0.00018%; no homozygotes.

Submission:

CeGaT Center for Human Genetics Tuebingen
Classification: Likely benign. Last evaluated: 2025-08-01. Review status: criteria provided, single submitter. Criteria: CeGaT Center For Human Genetics Tuebingen Variant Classification Criteria Version 2. Collection method: clinical testing. Allele origin: germline. Affected: yes. Observed: 1 variant allele.
Comment: DARS1: BP4, BP7